The following is an entry in ClinVar:

ClinVar aggregate classification (germline): Uncertain significance (1 of 4 stars; one submission).

Submission:

Women's Health and Genetics/Laboratory Corporation of America, LabCorp
Classification: Uncertain significance. Last evaluated: 2026-01-28. Review status: criteria provided, single submitter. Criteria: LabCorp Variant Classification Summary - May 2015. Collection method: clinical testing. Allele origin: germline.
Comment: Variant summary: ARX c.325G>A (p.Ala109Thr) results in a non-conservative amino acid change in the encoded protein sequence. Algorithms developed to predict the effect of missense changes on protein structure and function are either unavailable or do not agree on the potential impact of this missense change. The frequency data for this variant in gnomAD is considered unreliable, as metrics indicate poor data quality at this position. To our knowledge, no occurrence of c.325G>A in individuals affected with ARX-related conditions and no experimental evidence demonstrating its impact on protein function have been reported. No submitters have cited clinical-significance assessments for this variant to ClinVar. Based on the evidence outlined above, the variant was classified as uncertain significance.

NM_139058.3(ARX):c.325G>A (p.Ala109Thr)

Genes: ARX (aristaless related homeobox; minus strand), LOC109610631 (aristaless related homeobox polyalanine expansion region; plus strand). Cytogenetic location: Xp21.3.
Variant type: single nucleotide variant.
Coding change: c.325G>A on transcript NM_139058.3 (MANE Select); coding-DNA position 325, G replaced by A.
Protein change: p.Ala109Thr; replaces alanine 109 with threonine.
Molecular consequence: missense variant.
Genome position (GRCh38, 1-based): chrX:25,013,670, C>T on the plus strand (G>A on the coding strand, the complement: ARX is on the minus strand). VCF-style: chrX-25013670-C-T. GRCh37 (hg19) VCF-style: chrX-25031787-C-T.
Other names: short protein forms A109T.
Identifiers: ClinVar variation 4689153 (VCV004689153.1).